The following is an entry in ClinVar:

ClinVar aggregate classification (germline): Pathogenic. Review status: reviewed by expert panel (3 of 4 stars). 22 submissions from 22 submitters: Pathogenic (1). 21 of the submissions do not count toward it. Last evaluated 2016-09-08.

Conditions:
Breast and/or ovarian cancer. Identifiers: MedGen CN221562.
Hereditary cancer-predisposing syndrome. Also called: Tumor predisposition; Neoplastic Syndromes, Hereditary; Hereditary Cancer Syndrome; Hereditary neoplastic syndrome. Identifiers: Orphanet 140162, MedGen C0027672, MeSH D009386, MONDO:0015356.
Hereditary breast ovarian cancer syndrome. Also called: Hereditary breast and ovarian cancer syndrome (HBOC); Hereditary breast and ovarian cancer syndrome; Hereditary breast and ovarian cancer; Hereditary breast and/or ovarian cancer syndrome; Breast and ovarian cancer; BRCA1- and BRCA2-Associated Hereditary Breast and Ovarian Cancer. Identifiers: Orphanet 145, MedGen C0677776, MeSH D061325, MONDO:0003582. Disease mechanism: loss of function.
Breast-ovarian cancer, familial, susceptibility to, 1 (BROVCA1). Also called: OVARIAN CANCER, SUSCEPTIBILITY TO; BRCA1 Hereditary Breast and Ovarian Cancer. Identifiers: Orphanet 145, MedGen C2676676, MONDO:0011450, OMIM 604370. Disease mechanism: loss of function.
Malignant tumor of breast. Also called: Malignant breast neoplasm; Cancer breast. Identifiers: MedGen C0006142, MONDO:0007254. Disease mechanism: loss of function.
Familial cancer of breast. Also called: Hereditary breast cancer; hereditary breast carcinoma; BREAST CANCER, FAMILIAL. Identifiers: Orphanet 227535, MedGen C0346153, MONDO:0016419, OMIM 114480. Disease mechanism: loss of function.

Submissions 1 to 9 of 22:

Evidence-based Network for the Interpretation of Germline Mutant Alleles (ENIGMA)
Classification: Pathogenic for Breast-ovarian cancer, familial, susceptibility to, 1. Last evaluated: 2016-09-08. Review status: reviewed by expert panel. Criteria: ENIGMA BRCA1/2 Classification Criteria (2015). Collection method: curation. Allele origin: germline.
Comment: Variant allele predicted to encode a truncated non-functional protein.

Labcorp Genetics (formerly Invitae), Labcorp
Classification: Pathogenic for Hereditary breast ovarian cancer syndrome. Last evaluated: 2025-07-07. Review status: criteria provided, single submitter. Criteria: Invitae Variant Classification Sherloc (09022015). Collection method: clinical testing. Allele origin: germline. Not counted in ClinVar's aggregate classification.
Comment: This sequence change creates a premature translational stop signal (p.Cys226Valfs*8) in the BRCA1 gene. It is expected to result in an absent or disrupted protein product. Loss-of-function variants in BRCA1 are known to be pathogenic (PMID: 20104584). This variant is not present in population databases (gnomAD no frequency). This premature translational stop signal has been observed in individual(s) with breast cancer and ovarian cancer (PMID: 9042907, 15146557, 16287141, 22366370, 22498944, 24549055, 26745875, 26852130). It is commonly reported in individuals of Northern Italian ancestry (PMID: 26852130). This variant is also known as 795delT or 794delT. ClinVar contains an entry for this variant (Variation ID: 37693). For these reasons, this variant has been classified as Pathogenic.

Department of Human Genetics, Hannover Medical School
Classification: Pathogenic for Breast-ovarian cancer, familial, susceptibility to, 1. Last evaluated: 2024-10-18. Review status: criteria provided, single submitter. Criteria: ACMG Guidelines, 2015. Collection method: clinical testing. Allele origin: germline. Affected: yes. Not counted in ClinVar's aggregate classification.
Comment: PVS1, PM5_Strong, PP4_Moderate

Ambry Genetics
Classification: Pathogenic for Hereditary cancer-predisposing syndrome. Last evaluated: 2024-10-11. Review status: criteria provided, single submitter. Criteria: Ambry Variant Classification Scheme 2023. Collection method: clinical testing. Allele origin: germline. Not counted in ClinVar's aggregate classification.
Comment: The c.676delT pathogenic mutation, located in coding exon 9 of the BRCA1 gene, results from a deletion of one nucleotide at nucleotide position 676, causing a translational frameshift with a predicted alternate stop codon (p.C226Vfs*8). This pathogenic mutation has been reported in multiple individuals diagnosed with breast and/or ovarian cancer (Serova OM et al. Am. J. Hum. Genet. 1997 Mar;60:486-95; Adem C et al. Cancer. 2003 Jan;97:1-11; Miolo G et al. BMC Cancer. 2009 Oct;9:360; Maurac I et al. Int. J. Gynecol. Pathol. 2012 May;31:264-71; Azzollini J et al. Eur J Intern Med. 2016 Jul;32:65-71; Cini G et al. BMC Med. Genet. 2016 Feb;17:11; Artioli G et al. Gynecol Oncol, 2021 Jun;161:755-761). This variant is considered to be rare based on population cohorts in the Genome Aggregation Database (gnomAD). Of note, this mutation is also designated as 795delT in published literature. In addition to the clinical data presented in the literature, this alteration is expected to result in loss of function by premature protein truncation or nonsense-mediated mRNA decay. As such, this alteration is interpreted as a disease-causing mutation.

Quest Diagnostics Nichols Institute San Juan Capistrano
Classification: Pathogenic. Last evaluated: 2024-01-08. Review status: criteria provided, single submitter. Criteria: Quest Diagnostics criteria. Collection method: clinical testing. Allele origin: unknown. Not counted in ClinVar's aggregate classification.
Comment: The BRCA1 c.676del (p.Cys226Valfs*8) variant alters the translational reading frame of the BRCA1 mRNA and causes the premature termination of BRCA1 protein synthesis. This variant has been reported in the published literature in several affected individuals with breast and/or ovarian cancer (PMIDs: 9042907 (1997), 15146557 (2004), 16287141 (2005), 19818148 (2009), 22366370 (2012), 24549055 (2014), 26745875 (2016), 26852130 (2016), 33888336 (2021), and 35382848 (2022)). This variant has not been reported in large, multi-ethnic general populations (Genome Aggregation Database). Based on the available information, this variant is classified as pathogenic.

Clinical Genetics Laboratory, Skane University Hospital Lund
Classification: Pathogenic. Last evaluated: 2023-03-13. Review status: criteria provided, single submitter. Criteria: ACMG Guidelines, 2015. Collection method: clinical testing. Allele origin: germline. Affected: yes. Not counted in ClinVar's aggregate classification.

Women's Health and Genetics/Laboratory Corporation of America, LabCorp
Classification: Pathogenic for Hereditary breast ovarian cancer syndrome. Last evaluated: 2022-06-17. Review status: criteria provided, single submitter. Criteria: LabCorp Variant Classification Summary - May 2015. Collection method: clinical testing. Allele origin: germline. Not counted in ClinVar's aggregate classification.
Comment: Variant summary: BRCA1 c.676delT (p.Cys226ValfsX8) results in a premature termination codon, predicted to cause a truncation of the encoded protein or absence of the protein due to nonsense mediated decay, which are commonly known mechanisms for disease. Truncations downstream of this position have been classified as pathogenic by our laboratory. The variant was absent in 242894 control chromosomes. c.676delT has been reported in the literature in multiple individuals affected with Hereditary Breast And Ovarian Cancer Syndrome (example, Judkins_2005, Gorski_2004, Serova_1997). These data indicate that the variant is very likely to be associated with disease. Multiple clinical diagnostic laboratories, an expert panel (ENIGMA) and a consortium (CIMBA) have submitted clinical-significance assessments for this variant to ClinVar after 2014 without evidence for independent evaluation. All submitters classified the variant as pathogenic. Based on the evidence outlined above, the variant was classified as pathogenic.

GeneDx
Classification: Pathogenic. Last evaluated: 2022-01-13. Review status: criteria provided, single submitter. Criteria: GeneDx Variant Classification Process June 2021. Collection method: clinical testing. Allele origin: germline. Affected: yes. Not counted in ClinVar's aggregate classification.
Comment: Frameshift variant predicted to result in protein truncation or nonsense mediated decay in a gene for which loss-of-function is a known mechanism of disease; Observed in multiple Hereditary Breast/Ovarian Cancer families and has been suggested to be a founder variant from North-East Italy (Serova 1997, Gorski 2004, Kroiss 2005, Levanat 2012, Maurac 2012, Cini 2016, Kluz 2018); Truncating variants in this gene are considered pathogenic by a well-established clinical consortium and/or database; Not observed at significant frequency in large population cohorts (gnomAD); Also known as 795delT; This variant is associated with the following publications: (PMID: 15146557, 22366370, 22984553, 9042907, 22498944, 26852130, 16287141, 26843898, 26745875, 28715532, 24549055, 12491499, 16528604, 32719484, 30787465, 32132887, 33478551, 31409081, 29492181, 30441849, 27062684)

Baylor Genetics
Classification: Pathogenic for Breast-ovarian cancer, familial, susceptibility to, 1. Last evaluated: 2021-12-14. Review status: criteria provided, single submitter. Criteria: ACMG Guidelines, 2015. Collection method: clinical testing. Allele origin: unknown. Not counted in ClinVar's aggregate classification.

NM_007294.4(BRCA1):c.676del (p.Cys226fs)

Gene: BRCA1 (BRCA1 DNA repair associated; minus strand). Cytogenetic location: 17q21.31.
Variant type: Deletion.
Coding change: c.676del on transcript NM_007294.4 (MANE Select); coding-DNA position 676, one base deleted (T; older notation c.676delT).
Protein change: p.Cys226fs; shifts the reading frame from cysteine 226.
Molecular consequence: frameshift variant. On other transcripts: non-coding transcript variant (1).
Genome position (GRCh38, 1-based): chr17:43,094,855, A deleted on the plus strand (T on the coding strand, the reverse complement: BRCA1 is on the minus strand); the first of 2 consecutive A bases (chr17:43,094,855-43,094,856); deleting either gives the same sequence. VCF-style (leftmost placement, unchanged base first): chr17-43094854-CA-C. GRCh37 (hg19) VCF-style: chr17-41246871-CA-C.
Other names: 795delT; c.676delT (NM_007294.3); c.462delT, p.Cys155Valfs (NM_001407571.1, NM_001408493.1, NM_001407853.1 and 12 more transcripts); c.675delT, p.Cys226Valfs (NM_001407581.1, NM_001407582.1, NM_001407583.1 and 52 more transcripts); c.672delT, p.Cys225Valfs (NM_001407587.1, NM_001407590.1, NM_001407591.1 and 38 more transcripts); c.465delT, p.Cys156Valfs (NM_001408492.1, NM_001408513.1, NM_001408514.1 and 25 more transcripts); c.411delT, p.Cys138Valfs (NM_001408496.1, NM_001408497.1, NM_001408498.1 and 15 more transcripts); c.666delT, p.Cys223Valfs (NM_001407646.1, NM_001407647.1, NM_001408408.1); and 18 more; short protein forms C226fs, C179fs.
Identifiers: ClinVar variation 37693 (VCV000037693.44), dbSNP rs80357941, ClinGen allele CA003808.
Genomic context (GRCh38, chr17:43,094,854, plus strand): 5'-AAATCATTATTACTGGGTTGATGATGTTCAGTATTTGTTACATCCGTCTCAGAAAATTCA[CA>C]AGCAGCTGAAAATATACAAAAATAACAAGGTACTCAAAAACTGAATTGTCATTAAAAAAA-3'